The following is an entry in ClinVar:

NM_003597.5(KLF11):c.1131C>T (p.Thr377=)

Gene: KLF11 (KLF transcription factor 11; plus strand). Cytogenetic location: 2p25.1.
Variant type: single nucleotide variant.
Coding change: c.1131C>T on transcript NM_003597.5 (MANE Select); coding-DNA position 1131, C replaced by T.
Protein change: p.Thr377=; no amino-acid change (threonine 377 retained).
Molecular consequence: synonymous variant.
Genome position (GRCh38, 1-based): chr2:10,048,468, C>T. VCF-style: chr2-10048468-C-T. GRCh37 (hg19) VCF-style: chr2-10188595-C-T.
Other names: c.1080C>T, p.Thr360= (NM_001177716.2, NM_001177718.2).
Identifiers: ClinVar variation 3052246 (VCV003052246.2), dbSNP rs137865082, ClinGen allele CA1525694.
Genomic context (GRCh38, chr2:10,048,468, plus strand): 5'-TGTCATGGCTGCCGGGAATACCAAGTTGTTGCCCCTTGCCCCTGCTCCAGTGTTCATCAC[C>T]TCTAGCCAAAACTGTGTCCCTCAGGTAGACTTTTCCCGAAGGAGGAACTATGTATGCAGC-3'
Protein context (NP_003588.1, residues 367-387): LPLAPAPVFI[Thr377=]SSQNCVPQVD

ClinVar aggregate classification (germline): Likely benign (0 of 4 stars; one submission).

Conditions:
KLF11-related disorder. Also called: KLF11-related condition.

Allele frequency attached by ClinVar (database versions not stated): TOPMed 0.00002; gnomAD 0.00003; ExAC 0.00004; gnomAD exomes 0.00004; ESP Exome Variant Server 0.00015.
gnomAD v4.1: 62 of 1,613,968 alleles (0.0038%); highest among the groups gnomAD compares: Middle Eastern, 0.016%; no homozygotes.

Submission:

PreventionGenetics, part of Exact Sciences
Classification: Likely benign for KLF11-related condition. Last evaluated: 2020-01-14. Review status: no assertion criteria provided. Collection method: clinical testing. Allele origin: germline.
Comment: This variant is classified as likely benign based on ACMG/AMP sequence variant interpretation guidelines (Richards et al. 2015 PMID: 25741868, with internal and published modifications).